The following is an entry in ClinVar:

ClinVar aggregate classification (germline): Pathogenic/Likely pathogenic. Review status: criteria provided, multiple submitters, no conflicts (2 of 4 stars). 3 submissions from 3 submitters: Pathogenic (2); Likely pathogenic (1). Last evaluated 2025-11-26.

Conditions:
GNRHR-related disorders.
Hypogonadotropic hypogonadism 7 with or without anosmia (HH7). Also called: GNRHR-Related GnRH Deficiency; HYPOGONADOTROPIC HYPOGONADISM 7 WITHOUT ANOSMIA. Identifiers: Orphanet 432, MedGen C0342384, MONDO:0007794, OMIM 146110.

Submissions (3):

Labcorp Genetics (formerly Invitae), Labcorp
Classification: Pathogenic. Last evaluated: 2025-11-26. Review status: criteria provided, single submitter. Criteria: Invitae Variant Classification Sherloc (09022015). Collection method: clinical testing. Allele origin: germline.
Comment: This variant, c.924_926del, results in the deletion of 1 amino acid(s) of the GNRHR protein (p.Phe309del), but otherwise preserves the integrity of the reading frame. This variant is present in population databases (rs746452449, gnomAD 0.03%). This variant has been observed in individual(s) with GNRHR-related conditions (PMID: 21292259, 22724017, 29182666, 39143522). In at least one individual the data is consistent with being in trans (on the opposite chromosome) from a pathogenic variant. For these reasons, this variant has been classified as Pathogenic.

Blueprint Genetics
Classification: Pathogenic for GNRHR-related disorders. Last evaluated: 2022-12-13. Review status: criteria provided, single submitter. Criteria: ACMG Guidelines, 2015. Collection method: clinical testing. Allele origin: germline. Affected: yes. Observed: 5 variant alleles.

Juno Genomics, Hangzhou Juno Genomics, Inc
Classification: Likely pathogenic for Hypogonadotropic hypogonadism 7 with or without anosmia. Review status: criteria provided, single submitter. Criteria: ACMG Guidelines, 2015. Collection method: clinical testing. Allele origin: germline. Affected: yes.
Comment: Absent from controls (or at extremely low frequency if recessive) in Genome Aggregation Database, Exome Sequencing Project, 1000 Genomes Project, or Exome Aggregation Consortium.;Protein length changes due to in-frame deletions/insertions in a non-repeat region or stop-loss variants.;Patient's phenotype or family history is highly specific for a disease with a single genetic etiology.;For recessive disorders, detected in trans with a pathogenic variant.

Literature cited by the submitters: PubMed 21292259 (cited by Labcorp Genetics (formerly Invitae), Labcorp); PubMed 22724017 (cited by Labcorp Genetics (formerly Invitae), Labcorp); PubMed 29182666 (cited by Labcorp Genetics (formerly Invitae), Labcorp); PubMed 39143522 (cited by Labcorp Genetics (formerly Invitae), Labcorp).

NM_000406.3(GNRHR):c.918CTT[2] (p.Phe309del)

Gene: GNRHR (gonadotropin releasing hormone receptor; minus strand). Cytogenetic location: 4q13.2.
Variant type: Microsatellite.
Coding change: c.918CTT[2] on transcript NM_000406.3 (MANE Select); two copies in a row of the 3-base unit CTT starting at c.918; the reference has three copies in a row; one copy, 3 bases deleted; also written c.924_926del.
Protein change: p.Phe309del; deletes phenylalanine 309.
Molecular consequence: inframe deletion. On other transcripts: 3 prime UTR variant (1).
Genome position (GRCh38, 1-based): chr4:67,740,541-67,740,543, AAG deleted on the plus strand (CTT on the coding strand, the reverse complement: GNRHR is on the minus strand); deleting any 3 consecutive bases within chr4:67,740,541-67,740,549 gives the same sequence; the position shown is the placement nearest the transcript's 3' end. VCF-style (leftmost placement, unchanged base first): chr4-67740540-AAAG-A. GRCh37 (hg19) VCF-style: chr4-68606258-AAAG-A.
Other names: c.*40CTT[2] (NM_001012763.2); c.924_926del (NM_000406.3); short protein forms F309del.
Identifiers: ClinVar variation 3382921 (VCV003382921.4).